The following is an entry in ClinVar:

ClinVar aggregate classification (germline): Uncertain significance (0 of 4 stars; one submission).

Conditions:
DLL1-related disorder. Also called: DLL1-related condition.

gnomAD v4.1: 37 of 1,614,014 alleles (0.0023%); highest among the groups gnomAD compares: African/African-American, 0.0067%; no homozygotes.

Submission:

PreventionGenetics, part of Exact Sciences
Classification: Uncertain significance for DLL1-related condition. Last evaluated: 2024-07-09. Review status: no assertion criteria provided. Collection method: clinical testing. Allele origin: germline.
Comment: The DLL1 c.1031C>T variant is predicted to result in the amino acid substitution p.Thr344Met. To our knowledge, this variant has not been reported in the literature. This variant is reported in 0.0050% of alleles in individuals of East Asian descent in gnomAD. At this time, the clinical significance of this variant is uncertain due to the absence of conclusive functional and genetic evidence.

NM_005618.4(DLL1):c.1031C>T (p.Thr344Met)

Gene: DLL1 (delta like canonical Notch ligand 1; minus strand). Cytogenetic location: 6q27.
Variant type: single nucleotide variant.
Coding change: c.1031C>T on transcript NM_005618.4 (MANE Select); coding-DNA position 1031, C replaced by T.
Protein change: p.Thr344Met; replaces threonine 344 with methionine.
Molecular consequence: missense variant.
Genome position (GRCh38, 1-based): chr6:170,285,255, G>A on the plus strand (C>T on the coding strand, the complement: DLL1 is on the minus strand). VCF-style: chr6-170285255-G-A. GRCh37 (hg19) VCF-style: chr6-170594343-G-A.
Other names: short protein forms T344M.
Identifiers: ClinVar variation 3350938 (VCV003350938.1).
Genomic context (GRCh38, chr6:170,285,255, plus strand): 5'-CCATTCAACACCAGGGCACCCCAGCTTCCGGGTGAGATGCCATGGAGCCTCCGACTCACC[G>A]TGCAGCTCCCTCCGTTCTTACAAGGGCTGGGGTCACACTCGTCAATCCCCAGCTCGCAGG-3'
Protein context (NP_005609.3, residues 334-354): PSPCKNGGSC[Thr344Met]DLENSYSCTC